The following is an entry in ClinVar:

NM_007294.4(BRCA1):c.14C>G (p.Ala5Gly)

Gene: BRCA1 (BRCA1 DNA repair associated; minus strand). Cytogenetic location: 17q21.31.
Variant type: single nucleotide variant.
Coding change: c.14C>G on transcript NM_007294.4 (MANE Select); coding-DNA position 14, C replaced by G.
Protein change: p.Ala5Gly; replaces alanine 5 with glycine.
Molecular consequence: missense variant. On other transcripts: 5 prime UTR variant (1), non-coding transcript variant (1).
Genome position (GRCh38, 1-based): chr17:43,124,083, G>C on the plus strand (C>G on the coding strand, the complement: BRCA1 is on the minus strand). VCF-style: chr17-43124083-G-C. GRCh37 (hg19) VCF-style: chr17-41276100-G-C.
Other names: c.-175C>G (NM_001407571.1, NM_001407853.1, NM_001407879.1 and 46 more transcripts); c.14C>G, p.Ala5Gly (NM_001407581.1, NM_001407582.1, NM_001407583.1 and 193 more transcripts); c.-244C>G (NM_001407694.1, NM_001407724.1, NM_001407727.1 and 11 more transcripts); c.-248C>G (NM_001407695.1, NM_001408465.1); c.-389C>G (NM_001407696.1); c.-273C>G (NM_001407697.1, NM_001407846.1, NM_001407920.1); c.-74C>G (NM_001407698.1, NM_001407732.1, NM_001407736.1 and 23 more transcripts); c.-247C>G (NM_001407725.1, NM_001407730.1, NM_001407734.1 and 22 more transcripts); and 8 more; short protein forms A5G.
Identifiers: ClinVar variation 868693 (VCV000868693.3), dbSNP rs1335137805, ClinGen allele CA10602131.

Conditions:
Breast-ovarian cancer, familial, susceptibility to, 1 (BROVCA1). Also called: BRCA1 Hereditary Breast and Ovarian Cancer; OVARIAN CANCER, SUSCEPTIBILITY TO. Identifiers: Orphanet 145, MedGen C2676676, MONDO:0011450, OMIM 604370. Disease mechanism: loss of function.

Submission:

Brotman Baty Institute, University of Washington
No classification provided (evidence only). Condition: Breast-ovarian cancer, familial 1. Review status: no classification provided. Collection method: in vitro. Allele origin: not applicable. Functional consequence: functionally_normal.
ClinVar note: "not provided" was previously submitted as the classification for the variant. However, the classification appeared to be based only on an observation of functional data so it was converted to no classification on 2025-07-30.